The following is an entry in ClinVar:

NM_000138.5(FBN1):c.2464A>G (p.Lys822Glu)

Gene: FBN1 (fibrillin 1; minus strand). Cytogenetic location: 15q21.1.
Variant type: single nucleotide variant.
Coding change: c.2464A>G on transcript NM_000138.5 (MANE Select); coding-DNA position 2464, A replaced by G.
Protein change: p.Lys822Glu; replaces lysine 822 with glutamic acid.
Molecular consequence: missense variant.
Genome position (GRCh38, 1-based): chr15:48,495,544, T>C on the plus strand (A>G on the coding strand, the complement: FBN1 is on the minus strand). VCF-style: chr15-48495544-T-C. GRCh37 (hg19) VCF-style: chr15-48787741-T-C.
Other names: short protein forms K822E.
Identifiers: ClinVar variation 920171 (VCV000920171.4), dbSNP rs2043600053, ClinGen allele CA392334568.

ClinVar aggregate classification (germline): Uncertain significance (1 of 4 stars; one submission).

Conditions:
Familial thoracic aortic aneurysm and aortic dissection (TAAD). Also called: Thoracic aortic aneurysms and dissections. Identifiers: Orphanet 91387, MedGen C4707243, MONDO:0019625.

Allele frequency attached by ClinVar (database versions not stated): TOPMed below 0.00001.

Submission:

Color Diagnostics, LLC DBA Color Health
Classification: Uncertain significance for Familial thoracic aortic aneurysm and aortic dissection. Last evaluated: 2024-03-06. Review status: criteria provided, single submitter. Criteria: ACMG Guidelines, 2015. Collection method: clinical testing. Allele origin: germline.
Comment: This missense variant replaces lysine with glutamic acid at codon 822 of the FBN1 protein. Computational prediction suggests that this variant may not impact protein structure and function (internally defined REVEL score threshold <= 0.5, PMID: 27666373). Splice site prediction tools suggest that this variant may not impact RNA splicing. To our knowledge, functional studies have not been performed for this variant. This variant has not been reported in individuals affected with cardiovascular disorders in the literature. This variant has not been identified in the general population by the Genome Aggregation Database (gnomAD). The available evidence is insufficient to determine the role of this variant in disease conclusively. Therefore, this variant is classified as a Variant of Uncertain Significance.